The following is an entry in ClinVar:

NM_004415.4(DSP):c.6454G>C (p.Gly2152Arg)

Gene: DSP (desmoplakin; plus strand). Cytogenetic location: 6p24.3.
Variant type: single nucleotide variant.
Coding change: c.6454G>C on transcript NM_004415.4 (MANE Select); coding-DNA position 6454, G replaced by C.
Protein change: p.Gly2152Arg; replaces glycine 2152 with arginine.
Molecular consequence: missense variant.
Genome position (GRCh38, 1-based): chr6:7,583,716, G>C. VCF-style: chr6-7583716-G-C. GRCh37 (hg19) VCF-style: chr6-7583949-G-C.
Other names: c.4657G>C, p.Gly1553Arg (NM_001008844.3); c.5125G>C, p.Gly1709Arg (NM_001319034.2); short protein forms G2152R, G1553R, G1709R.
Identifiers: ClinVar variation 2012519 (VCV002012519.4), dbSNP rs2533941256, ClinGen allele CA362690826.

ClinVar aggregate classification (germline): Uncertain significance (1 of 4 stars; one submission).

Conditions:
Arrhythmogenic cardiomyopathy with wooly hair and keratoderma. Also called: PALMOPLANTAR KERATODERMA WITH LEFT VENTRICULAR CARDIOMYOPATHY AND WOOLLY HAIR; Carvajal syndrome; Dilated cardiomyopathy with woolly hair and keratoderma; Arrhythmogenic cardiomyopathy with woolly hair and keratoderma. Identifiers: Orphanet 65282, MedGen C1854063, MONDO:0011581, OMIM 605676.
Arrhythmogenic right ventricular dysplasia 8 (ARVD8). Also called: ARRHYTHMOGENIC RIGHT VENTRICULAR DYSPLASIA, FAMILIAL, 8; Arrhythmogenic Right Ventricular Dysplasia/Cardiomyopathy 8; ARRHYTHMOGENIC RIGHT VENTRICULAR CARDIOMYOPATHY 8. Identifiers: MedGen C1843896, MONDO:0011831, OMIM 607450.

Submission:

Labcorp Genetics (formerly Invitae), Labcorp
Classification: Uncertain significance for Arrhythmogenic cardiomyopathy with wooly hair and keratoderma; Arrhythmogenic right ventricular dysplasia 8. Last evaluated: 2022-06-30. Review status: criteria provided, single submitter. Criteria: Invitae Variant Classification Sherloc (09022015). Collection method: clinical testing. Allele origin: germline.
Comment: This variant is not present in population databases (gnomAD no frequency). This sequence change replaces glycine, which is neutral and non-polar, with arginine, which is basic and polar, at codon 2152 of the DSP protein (p.Gly2152Arg). This variant has not been reported in the literature in individuals affected with DSP-related conditions. In summary, the available evidence is currently insufficient to determine the role of this variant in disease. Therefore, it has been classified as a Variant of Uncertain Significance. Algorithms developed to predict the effect of missense changes on protein structure and function are either unavailable or do not agree on the potential impact of this missense change (SIFT: "Deleterious"; PolyPhen-2: "Probably Damaging"; Align-GVGD: "Class C0").